The following is an entry in ClinVar:

NM_001386298.1(CIC):c.4706C>T (p.Pro1569Leu)

Gene: CIC (capicua transcriptional repressor; plus strand). Cytogenetic location: 19q13.2.
Variant type: single nucleotide variant.
Coding change: c.4706C>T on transcript NM_001386298.1 (MANE Select); coding-DNA position 4706, C replaced by T.
Protein change: p.Pro1569Leu; replaces proline 1569 with leucine.
Molecular consequence: missense variant.
Genome position (GRCh38, 1-based): chr19:42,290,747, C>T. VCF-style: chr19-42290747-C-T. GRCh37 (hg19) VCF-style: chr19-42794899-C-T.
Other names: c.4706C>T, p.Pro1569Leu (NM_001304815.2, NM_001379480.1, NM_001379482.1); c.1979C>T, p.Pro660Leu (NM_001379484.1, NM_001379485.1, NM_015125.5); c.1979C>T (NM_015125.3); short protein forms P660L, P1569L.
Identifiers: ClinVar variation 133896 (VCV000133896.26), dbSNP rs139337301, ClinGen allele CA158110.
Genomic context (GRCh38, chr19:42,290,747, plus strand): 5'-AAGAGGGCGGCGGAGCCAGAGTGCCCTCCGCCCCCGCCCCATCACTGGCCTATGGGGCCC[C>T]AGCAGCTCCCCTGTCCCGTCCTGCCGCCACCATGGTCACCAATGTGGTGCGGCCTGTCAG-3'
Protein context (NP_001373227.1, residues 1559-1579): APAPSLAYGA[Pro1569Leu]AAPLSRPAAT

ClinVar aggregate classification (germline): Likely benign. Review status: criteria provided, multiple submitters, no conflicts (2 of 4 stars). 3 submissions from 3 submitters: Likely benign (2). 1 of the submissions does not count toward it. Last evaluated 2025-07-01.

Conditions:
Inborn genetic diseases. Identifiers: MedGen C0950123, MeSH D030342.

Allele frequency attached by ClinVar (database versions not stated): ESP Exome Variant Server 0.00047; gnomAD 0.00049 and 0.00053; gnomAD exomes 0.00051 and 0.00117; ExAC 0.00053; TOPMed 0.00054.

Submissions (3):

CeGaT Center for Human Genetics Tuebingen
Classification: Likely benign. Last evaluated: 2025-07-01. Review status: criteria provided, single submitter. Criteria: CeGaT Center For Human Genetics Tuebingen Variant Classification Criteria Version 2. Collection method: clinical testing. Allele origin: germline. Affected: yes. Observed: 3 variant alleles.
Comment: CIC: BS1

Ambry Genetics
Classification: Likely benign for Inborn genetic diseases. Last evaluated: 2025-01-10. Review status: criteria provided, single submitter. Criteria: Ambry Variant Classification Scheme 2023. Collection method: clinical testing. Allele origin: germline.

ITMI
No classification provided. Condition: AllHighlyPenetrant. Last evaluated: 2013-09-19. Review status: no classification provided. Collection method: reference population. Allele origin: germline. Not counted in ClinVar's aggregate classification.
Comment: Please see associated publication for description of ethnicities

Literature cited by the submitters: PubMed 24728327 (cited by ITMI).